The following is an entry in ClinVar:

ClinVar aggregate classification (germline): Uncertain significance. Review status: criteria provided, multiple submitters, no conflicts (2 of 4 stars). 2 submissions from 2 submitters: Uncertain significance (2). Last evaluated 2025-07-15.

Submissions (2):

Ambry Genetics
Classification: Uncertain significance. Last evaluated: 2025-07-15. Review status: criteria provided, single submitter. Criteria: Ambry Variant Classification Scheme 2023. Collection method: clinical testing. Allele origin: germline.

Labcorp Genetics (formerly Invitae), Labcorp
Classification: Uncertain significance. Last evaluated: 2021-08-17. Review status: criteria provided, single submitter. Criteria: Invitae Variant Classification Sherloc (09022015). Collection method: clinical testing. Allele origin: germline.
Comment: This sequence change replaces threonine with methionine at codon 336 of the FCHO1 protein (p.Thr336Met). The threonine residue is weakly conserved and there is a moderate physicochemical difference between threonine and methionine. This variant is not present in population databases (ExAC no frequency). This variant has not been reported in the literature in individuals affected with FCHO1-related conditions. Algorithms developed to predict the effect of missense changes on protein structure and function output the following: SIFT: "Tolerated"; PolyPhen-2: "Benign"; Align-GVGD: "Class C0". The methionine amino acid residue is found in multiple mammalian species, which suggests that this missense change does not adversely affect protein function. In summary, the available evidence is currently insufficient to determine the role of this variant in disease. Therefore, it has been classified as a Variant of Uncertain Significance.

NM_015122.3(FCHO1):c.1007C>T (p.Thr336Met)

Gene: FCHO1 (FCH and mu domain containing endocytic adaptor 1; plus strand). Cytogenetic location: 19p13.11.
Variant type: single nucleotide variant.
Coding change: c.1007C>T on transcript NM_015122.3 (MANE Select); coding-DNA position 1007, C replaced by T.
Protein change: p.Thr336Met; replaces threonine 336 with methionine.
Molecular consequence: missense variant. On other transcripts: non-coding transcript variant (34).
Genome position (GRCh38, 1-based): chr19:17,775,986, C>T. VCF-style: chr19-17775986-C-T. GRCh37 (hg19) VCF-style: chr19-17886795-C-T.
Other names: c.1007C>T, p.Thr336Met (NM_001384379.1, NM_001384380.1, NM_001384381.1 and 25 more transcripts); c.857C>T, p.Thr286Met (NM_001384384.1, NM_001384385.1, NM_001384386.1 and 3 more transcripts); c.968C>T, p.Thr323Met (NM_001384388.1, NM_001384389.1, NM_001384405.1); c.932C>T, p.Thr311Met (NM_001384390.1); c.962C>T, p.Thr321Met (NM_001384403.1); c.1007C>T (NM_001161357.1); short protein forms T311M, T321M, T286M, T323M, T336M.
Identifiers: ClinVar variation 1400695 (VCV001400695.4), dbSNP rs370902924, ClinGen allele CA306114956.